The following is an entry in ClinVar:

NM_015158.5(KANK1):c.3709del (p.Ala1237fs)

Gene: KANK1 (KN motif and ankyrin repeat domains 1; plus strand). Cytogenetic location: 9p24.3.
Variant type: Deletion.
Coding change: c.3709del on transcript NM_015158.5 (MANE Select); coding-DNA position 3709, one base deleted (G; older notation c.3709delG).
Protein change: p.Ala1237fs; shifts the reading frame from alanine 1237.
Molecular consequence: frameshift variant. On other transcripts: non-coding transcript variant (1).
Genome position (GRCh38, 1-based): chr9:742,217, G deleted; the last of 2 consecutive G bases (chr9:742,216-742,217); deleting either gives the same sequence. VCF-style (leftmost placement, unchanged base first): chr9-742215-CG-C. GRCh37 (hg19) VCF-style: chr9-742215-CG-C.
Other names: c.3709del, p.Ala1237fs (NM_001256876.3, NM_001256877.3, NM_001354334.2); c.3469del, p.Ala1157fs (NM_001354331.2); c.3655del, p.Ala1219fs (NM_001354332.2); c.3235del, p.Ala1079fs (NM_001354333.2, NM_001354335.2, NM_001354337.2 and 2 more transcripts); c.2941del, p.Ala981fs (NM_001354336.2); c.3181del, p.Ala1061fs (NM_001354338.2, NM_001354340.2, NM_001354344.2); c.2995del, p.Ala999fs (NM_001354339.2, NM_001354342.2, NM_001354343.2); short protein forms A1079fs, A1157fs, A981fs, A1237fs, A999fs, A1061fs, A1219fs.
Identifiers: ClinVar variation 1033739 (VCV001033739.4), dbSNP rs758879616, ClinGen allele CA4961143.

ClinVar aggregate classification (germline): Uncertain significance. Review status: criteria provided, multiple submitters, no conflicts (2 of 4 stars). 2 submissions from 2 submitters: Uncertain significance (2). Last evaluated 2025-04-28.

Conditions:
Cerebral palsy, spastic quadriplegic, 2 (CPSQ2). Identifiers: Orphanet 210141, MedGen C2752061, MONDO:0013033, OMIM 612900.

Submissions (2):

Labcorp Genetics (formerly Invitae), Labcorp
Classification: Uncertain significance. Last evaluated: 2025-04-28. Review status: criteria provided, single submitter. Criteria: Invitae Variant Classification Sherloc (09022015). Collection method: clinical testing. Allele origin: germline.
Comment: This sequence change creates a premature translational stop signal (p.Ala1237Profs*11) in the KANK1 gene. It is expected to result in an absent or disrupted protein product. However, the current clinical and genetic evidence is not sufficient to establish whether loss-of-function variants in KANK1 cause disease. This variant is present in population databases (rs758879616, gnomAD 0.01%). This variant has not been reported in the literature in individuals affected with KANK1-related conditions. ClinVar contains an entry for this variant (Variation ID: 1033739). In summary, the available evidence is currently insufficient to determine the role of this variant in disease. Therefore, it has been classified as a Variant of Uncertain Significance.

Baylor Genetics
Classification: Uncertain significance for Cerebral palsy, spastic quadriplegic, 2. Last evaluated: 2018-09-10. Review status: criteria provided, single submitter. Criteria: ACMG Guidelines, 2015. Collection method: clinical testing. Allele origin: maternal. Affected: yes.
Comment: This variant was determined to be of uncertain significance according to ACMG Guidelines, 2015 [PMID:25741868].